The following is an entry in ClinVar:

ClinVar aggregate classification (germline): Pathogenic (1 of 4 stars; one submission).

Submission:

Labcorp Genetics (formerly Invitae), Labcorp
Classification: Pathogenic. Last evaluated: 2021-09-03. Review status: criteria provided, single submitter. Criteria: Invitae Variant Classification Sherloc (09022015). Collection method: clinical testing. Allele origin: germline.
Comment: This variant has not been reported in the literature in individuals affected with COL18A1-related conditions. This sequence change creates a premature translational stop signal (p.Tyr1100Leufs*18) in the COL18A1 gene. It is expected to result in an absent or disrupted protein product. Loss-of-function variants in COL18A1 are known to be pathogenic (PMID: 12415512, 25456301). The frequency data for this variant in the population databases is considered unreliable, as metrics indicate insufficient coverage at this position in the ExAC database. For these reasons, this variant has been classified as Pathogenic.

Literature cited by the submitters: PubMed 12415512; PubMed 25456301.

NM_001379500.1(COL18A1):c.3306dup (p.Tyr1103fs)

Genes: COL18A1 (collagen type XVIII alpha 1 chain; plus strand), SLC19A1 (solute carrier family 19 member 1; minus strand). Cytogenetic location: 21q22.3.
Variant type: Duplication.
Coding change: c.3306dup on transcript NM_001379500.1 (MANE Select); coding-DNA position 3306, one base duplicated (C; older notation c.3306dupC).
Protein change: p.Tyr1103fs; shifts the reading frame from tyrosine 1103.
Molecular consequence: frameshift variant.
Genome position (GRCh38, 1-based): chr21:45,509,412, C duplicated; the last of 4 consecutive C bases (chr21:45,509,409-45,509,412); duplicating any one gives the same sequence. VCF-style (leftmost placement, unchanged base first): chr21-45509408-A-AC. GRCh37 (hg19) VCF-style: chr21-46929322-A-AC.
Other names: c.3837dup, p.Tyr1280fs (NM_030582.4); c.4542dup, p.Tyr1515fs (NM_130444.3); short protein forms Y1280fs, Y1515fs, Y1103fs.
Identifiers: ClinVar variation 1440746 (VCV001440746.6), dbSNP rs2146119824, ClinGen allele CA2573157821.